The following is an entry in ClinVar:

NM_000720.4(CACNA1D):c.1519T>G (p.Ser507Ala)

Gene: CACNA1D (calcium voltage-gated channel subunit alpha1 D; plus strand). Cytogenetic location: 3p21.1.
Variant type: single nucleotide variant.
Coding change: c.1519T>G on transcript NM_000720.4 (MANE Plus Clinical); coding-DNA position 1519, T replaced by G.
Protein change: p.Ser507Ala; replaces serine 507 with alanine.
Molecular consequence: missense variant. On other transcripts: intron variant (2).
Genome position (GRCh38, 1-based): chr3:53,718,722, T>G. VCF-style: chr3-53718722-T-G. GRCh37 (hg19) VCF-style: chr3-53752749-T-G.
Other names: c.1478+334T>G (NM_001128840.3, NM_001128839.3); c.1519T>G (NM_000720.2); short protein forms S507A.
Identifiers: ClinVar variation 1508177 (VCV001508177.7), dbSNP rs1400055351, ClinGen allele CA353236177.
Genomic context (GRCh38, chr3:53,718,722, plus strand): 5'-CCACCTGCTGTGTCCATTAGGTGCTGGTGGAGACGGAGAGGCGCGGCCAAGGCGGGGCCC[T>G]CTGGGTGTCGGCGGTGGGGGTAAAGGCCTGATTCTCCTTCCAGCCTGGGTTTGGCATTTG-3'
Protein context (NP_000711.1, residues 497-517): RRRGAAKAGP[Ser507Ala]GCRRWGQAIS

ClinVar aggregate classification (germline): Uncertain significance. Review status: criteria provided, multiple submitters, no conflicts (2 of 4 stars). 2 submissions from 2 submitters: Uncertain significance (2). Last evaluated 2025-12-08.

Conditions:
Inborn genetic diseases. Identifiers: MedGen C0950123, MeSH D030342.

Allele frequency attached by ClinVar (database versions not stated): gnomAD exomes 0.00001; TOPMed 0.00001; gnomAD 0.00002.
gnomAD v4.1: 13 of 1,558,434 alleles (0.00083%); highest among the groups gnomAD compares: African/African-American, 0.0014%; no homozygotes.

Submissions (2):

Ambry Genetics
Classification: Uncertain significance for Inborn genetic diseases. Last evaluated: 2025-12-08. Review status: criteria provided, single submitter. Criteria: Ambry Variant Classification Scheme 2023. Collection method: clinical testing. Allele origin: germline.

Labcorp Genetics (formerly Invitae), Labcorp
Classification: Uncertain significance. Last evaluated: 2024-06-19. Review status: criteria provided, single submitter. Criteria: Invitae Variant Classification Sherloc (09022015). Collection method: clinical testing. Allele origin: germline.
Comment: This sequence change replaces serine, which is neutral and polar, with alanine, which is neutral and non-polar, at codon 507 of the CACNA1D protein (p.Ser507Ala). This variant is present in population databases (no rsID available, gnomAD 0.001%). This variant has not been reported in the literature in individuals affected with CACNA1D-related conditions. ClinVar contains an entry for this variant (Variation ID: 1508177). An algorithm developed to predict the effect of missense changes on protein structure and function (PolyPhen-2) suggests that this variant is likely to be tolerated. In summary, the available evidence is currently insufficient to determine the role of this variant in disease. Therefore, it has been classified as a Variant of Uncertain Significance.